The following is an entry in ClinVar:

NM_000169.3(GLA):c.705C>T (p.Ser235=)

Genes: GLA (galactosidase alpha; minus strand), RPL36A-HNRNPH2 (RPL36A-HNRNPH2 readthrough; plus strand). Cytogenetic location: Xq22.1.
Variant type: single nucleotide variant.
Coding change: c.705C>T on transcript NM_000169.3 (MANE Select); coding-DNA position 705, C replaced by T.
Protein change: p.Ser235=; no amino-acid change (serine 235 retained).
Molecular consequence: synonymous variant. On other transcripts: non-coding transcript variant (3), intron variant (2).
Genome position (GRCh38, 1-based): chrX:101,398,881, G>A on the plus strand (C>T on the coding strand, the complement: GLA is on the minus strand). VCF-style: chrX-101398881-G-A. GRCh37 (hg19) VCF-style: chrX-100653869-G-A.
Other names: c.828C>T, p.Ser276= (NM_001406747.1); c.705C>T, p.Ser235= (NM_001406748.1); c.300+3424G>A (NM_001199973.2); c.177+7059G>A (NM_001199974.2).
Identifiers: ClinVar variation 1577284 (VCV001577284.17), dbSNP rs147672853, ClinGen allele CA031866.

ClinVar aggregate classification (germline): Likely benign. Review status: criteria provided, multiple submitters, no conflicts (2 of 4 stars). 2 submissions from 2 submitters: Likely benign (2). Last evaluated 2025-12-14.

Conditions:
Fabry disease. Also called: Fabry's disease; ALPHA-GALACTOSIDASE A DEFICIENCY; ANDERSON-FABRY DISEASE; CERAMIDE TRIHEXOSIDASE DEFICIENCY; GLA DEFICIENCY; HEREDITARY DYSTOPIC LIPIDOSIS. Identifiers: Orphanet 324, MedGen C0002986, MONDO:0010526, OMIM 301500, HP:0001071. Disease mechanism: Fabry disease is due to inactivating mutations in the X-linked GLA gene resulting in deficiency of the enzyme Alpha Galactosidase-A., loss of function.

Allele frequency attached by ClinVar (database versions not stated): ESP Exome Variant Server 0.00009; ExAC 0.00001; gnomAD 0.00001; gnomAD exomes 0.00001; TOPMed 0.00002.

Submissions (2):

Labcorp Genetics (formerly Invitae), Labcorp
Classification: Likely benign for Fabry disease. Last evaluated: 2025-12-14. Review status: criteria provided, single submitter. Criteria: Invitae Variant Classification Sherloc (09022015). Collection method: clinical testing. Allele origin: germline.

All of Us Research Program, National Institutes of Health
Classification: Likely benign for Fabry disease. Last evaluated: 2024-03-24. Review status: criteria provided, single submitter. Criteria: ACMG Guidelines, 2015. Collection method: clinical testing. Allele origin: germline. Inheritance: X-linked inheritance. Observed: 1 variant allele, 1 heterozygote.
Comment: This study involves interpretation of variants in research participants for the purpose of population health screening. Participant phenotype was not available at the time of variant classification. Additional details can be found in publication PMID: 35346344, PMCID: PMC8962531